The following is an entry in ClinVar:

ClinVar aggregate classification (germline): Uncertain significance. Review status: criteria provided, multiple submitters, no conflicts (2 of 4 stars). 2 submissions from 2 submitters: Uncertain significance (2). Last evaluated 2025-11-22.

Conditions:
Hereditary cancer-predisposing syndrome. Also called: Neoplastic Syndromes, Hereditary; Tumor predisposition; Hereditary Cancer Syndrome; Hereditary neoplastic syndrome. Identifiers: Orphanet 140162, MedGen C0027672, MeSH D009386, MONDO:0015356.

Submissions (2):

Ambry Genetics
Classification: Uncertain significance for Hereditary cancer-predisposing syndrome. Last evaluated: 2025-11-22. Review status: criteria provided, single submitter. Criteria: Ambry Variant Classification Scheme 2023. Collection method: clinical testing. Allele origin: germline.
Comment: The p.S711F variant (also known as c.2132C>T), located in coding exon 19 of the POLE gene, results from a C to T substitution at nucleotide position 2132. The serine at codon 711 is replaced by phenylalanine, an amino acid with highly dissimilar properties. This amino acid position is conserved. In addition, this alteration is predicted to be tolerated by in silico analysis. Since supporting evidence is limited at this time, the clinical significance of this alteration remains unclear.

Labcorp Genetics (formerly Invitae), Labcorp
Classification: Uncertain significance. Last evaluated: 2022-11-30. Review status: criteria provided, single submitter. Criteria: Invitae Variant Classification Sherloc (09022015). Collection method: clinical testing. Allele origin: germline.
Comment: In summary, the available evidence is currently insufficient to determine the role of this variant in disease. Therefore, it has been classified as a Variant of Uncertain Significance. Advanced modeling of protein sequence and biophysical properties (such as structural, functional, and spatial information, amino acid conservation, physicochemical variation, residue mobility, and thermodynamic stability) has been performed at Invitae for this missense variant, however the output from this modeling did not meet the statistical confidence thresholds required to predict the impact of this variant on POLE protein function. This variant has not been reported in the literature in individuals affected with POLE-related conditions. This variant is not present in population databases (gnomAD no frequency). This sequence change replaces serine, which is neutral and polar, with phenylalanine, which is neutral and non-polar, at codon 711 of the POLE protein (p.Ser711Phe).

NM_006231.4(POLE):c.2132C>T (p.Ser711Phe)

Gene: POLE (DNA polymerase epsilon, catalytic subunit; minus strand). Cytogenetic location: 12q24.33.
Variant type: single nucleotide variant.
Coding change: c.2132C>T on transcript NM_006231.4 (MANE Select); coding-DNA position 2132, C replaced by T.
Protein change: p.Ser711Phe; replaces serine 711 with phenylalanine.
Molecular consequence: missense variant.
Genome position (GRCh38, 1-based): chr12:132,668,397, G>A on the plus strand (C>T on the coding strand, the complement: POLE is on the minus strand). VCF-style: chr12-132668397-G-A. GRCh37 (hg19) VCF-style: chr12-133244983-G-A.
Other names: short protein forms S711F.
Identifiers: ClinVar variation 1786428 (VCV001786428.6), dbSNP rs2135974984, ClinGen allele CA387353758.